The following is an entry in ClinVar:

ClinVar aggregate classification (germline): Uncertain significance (1 of 4 stars; one submission).

Conditions:
Brugada syndrome. Also called: Sudden unexpected nocturnal death syndrome; Sudden unexplained nocturnal death syndrome; Sudden Unexplained Death Syndrome; Sudden Unexplained Nocturnal Death Syndrome (SUNDS). Identifiers: Orphanet 130, MedGen C1142166, MONDO:0015263.

Allele frequency attached by ClinVar (database versions not stated): gnomAD exomes below 0.00001.
gnomAD v4.1: 2 of 1,614,034 alleles (0.00012%); highest among the groups gnomAD compares: Non-Finnish European, 0.00017%; no homozygotes.

Submission:

Labcorp Genetics (formerly Invitae), Labcorp
Classification: Uncertain significance for Brugada syndrome. Last evaluated: 2020-07-21. Review status: criteria provided, single submitter. Criteria: Invitae Variant Classification Sherloc (09022015). Collection method: clinical testing. Allele origin: germline.
Comment: Algorithms developed to predict the effect of missense changes on protein structure and function are either unavailable or do not agree on the potential impact of this missense change (SIFT: "Deleterious"; PolyPhen-2: "Possibly Damaging"; Align-GVGD: "Class C0"). This sequence change replaces isoleucine with valine at codon 1759 of the SCN10A protein (p.Ile1759Val). The isoleucine residue is moderately conserved and there is a small physicochemical difference between isoleucine and valine. This variant is not present in population databases (ExAC no frequency). This variant has not been reported in the literature in individuals with SCN10A-related conditions. In summary, the available evidence is currently insufficient to determine the role of this variant in disease. Therefore, it has been classified as a Variant of Uncertain Significance.

NM_006514.4(SCN10A):c.5275A>G (p.Ile1759Val)

Gene: SCN10A (sodium voltage-gated channel alpha subunit 10; minus strand). Cytogenetic location: 3p22.2.
Variant type: single nucleotide variant.
Coding change: c.5275A>G on transcript NM_006514.4 (MANE Select); coding-DNA position 5275, A replaced by G.
Protein change: p.Ile1759Val; replaces isoleucine 1759 with valine.
Molecular consequence: missense variant.
Genome position (GRCh38, 1-based): chr3:38,697,945, T>C on the plus strand (A>G on the coding strand, the complement: SCN10A is on the minus strand). VCF-style: chr3-38697945-T-C. GRCh37 (hg19) VCF-style: chr3-38739436-T-C.
Other names: c.5272A>G, p.Ile1758Val (NM_001293306.2); c.4981A>G, p.Ile1661Val (NM_001293307.2); short protein forms I1661V, I1758V, I1759V.
Identifiers: ClinVar variation 1042569 (VCV001042569.5), dbSNP rs1226335596, ClinGen allele CA352154116.